The following is an entry in ClinVar:

NM_002202.3(ISL1):c.963T>C (p.Ser321=)

Gene: ISL1 (ISL LIM homeobox 1; plus strand). Cytogenetic location: 5q11.1.
Variant type: single nucleotide variant.
Coding change: c.963T>C on transcript NM_002202.3 (MANE Select); coding-DNA position 963, T replaced by C.
Protein change: p.Ser321=; no amino-acid change (serine 321 retained).
Molecular consequence: synonymous variant.
Genome position (GRCh38, 1-based): chr5:51,393,523, T>C. VCF-style: chr5-51393523-T-C. GRCh37 (hg19) VCF-style: chr5-50689357-T-C.
Identifiers: ClinVar variation 4994872 (VCV004994872.1).

ClinVar aggregate classification (germline): Likely benign (1 of 4 stars; one submission).

Conditions:
ISL1-related disorder. Also called: ISL1-related condition.

Submission:

PreventionGenetics, part of Exact Sciences
Classification: Likely benign for ISL1-related condition. Last evaluated: 2025-09-11. Review status: criteria provided, single submitter. Criteria: ACMG Guidelines, 2015. Collection method: clinical testing. Allele origin: germline.
Comment: This variant is classified as likely benign based on ACMG/AMP sequence variant interpretation guidelines (Richards et al. 2015 PMID: 25741868, with internal and published modifications).